The following is an entry in ClinVar:

NM_000492.4(CFTR):c.1912C>A (p.Pro638Thr)

Gene: CFTR (CF transmembrane conductance regulator; plus strand). Cytogenetic location: 7q31.2.
Variant type: single nucleotide variant.
Coding change: c.1912C>A on transcript NM_000492.4 (MANE Select); coding-DNA position 1912, C replaced by A.
Protein change: p.Pro638Thr; replaces proline 638 with threonine.
Molecular consequence: missense variant.
Genome position (GRCh38, 1-based): chr7:117,592,079, C>A. VCF-style: chr7-117592079-C-A. GRCh37 (hg19) VCF-style: chr7-117232133-C-A.
Other names: short protein forms P638T.
Identifiers: ClinVar variation 4646377 (VCV004646377.1).

ClinVar aggregate classification (germline): Uncertain significance (1 of 4 stars; one submission).

Conditions:
Cystic fibrosis (CF). Also called: MUCOVISCIDOSIS. Identifiers: Orphanet 586, MedGen C0010674, MONDO:0009061, OMIM 219700. Disease mechanism: loss of function.

Submission:

Ambry Genetics
Classification: Uncertain significance for Cystic fibrosis. Last evaluated: 2025-09-19. Review status: criteria provided, single submitter. Criteria: Ambry Variant Classification Scheme 2023. Collection method: clinical testing. Allele origin: germline.
Comment: The p.P638T variant (also known as c.1912C>A), located in coding exon 14 of the CFTR gene, results from a C to A substitution at nucleotide position 1912. The proline at codon 638 is replaced by threonine, an amino acid with highly similar properties. This amino acid position is conserved. In addition, this alteration is predicted to be deleterious by in silico analysis. Based on the available evidence, the clinical significance of this variant remains unclear.